The following is an entry in ClinVar:

ClinVar aggregate classification (germline): Uncertain significance (1 of 4 stars; one submission).

Submission:

Labcorp Genetics (formerly Invitae), Labcorp
Classification: Uncertain significance. Last evaluated: 2025-12-21. Review status: criteria provided, single submitter. Criteria: Invitae Variant Classification Sherloc (09022015). Collection method: clinical testing. Allele origin: germline.
Comment: This sequence change replaces asparagine, which is neutral and polar, with serine, which is neutral and polar, at codon 602 of the SIRT1 protein (p.Asn602Ser). This variant is not present in population databases (gnomAD no frequency). This variant has not been reported in the literature in individuals affected with SIRT1-related conditions. An algorithm developed to predict the effect of missense changes on protein structure and function outputs the following: PolyPhen-2: "Benign". The serine amino acid residue is found in multiple mammalian species, which suggests that this missense change does not adversely affect protein function. In summary, the available evidence is currently insufficient to determine the role of this variant in disease. Therefore, it has been classified as a Variant of Uncertain Significance.

NM_012238.5(SIRT1):c.1805A>G (p.Asn602Ser)

Gene: SIRT1 (sirtuin 1; plus strand). Cytogenetic location: 10q21.3.
Variant type: single nucleotide variant.
Coding change: c.1805A>G on transcript NM_012238.5 (MANE Select); coding-DNA position 1805, A replaced by G.
Protein change: p.Asn602Ser; replaces asparagine 602 with serine.
Molecular consequence: missense variant.
Genome position (GRCh38, 1-based): chr10:67,912,921, A>G. VCF-style: chr10-67912921-A-G. GRCh37 (hg19) VCF-style: chr10-69672678-A-G.
Other names: c.920A>G, p.Asn307Ser (NM_001142498.2); c.896A>G, p.Asn299Ser (NM_001314049.2); short protein forms N602S, N299S, N307S.
Identifiers: ClinVar variation 4694352 (VCV004694352.1).
Genomic context (GRCh38, chr10:67,912,921, plus strand): 5'-TACAAACTTCTAGGAATGTTGAAAGTATTGCTGAACAGATGGAAAATCCGGATTTGAAGA[A>G]TGTTGGTTCTAGTACTGGGGAGAAAAATGAAAGAACTTCAGTGGCTGGAACAGTGAGAAA-3'
Protein context (NP_036370.2, residues 592-612): AEQMENPDLK[Asn602Ser]VGSSTGEKNE